The following is an entry in ClinVar:

NM_021625.5(TRPV4):c.854-4G>A

Gene: TRPV4 (transient receptor potential cation channel subfamily V member 4; minus strand). Cytogenetic location: 12q24.11.
Variant type: single nucleotide variant.
Coding change: c.854-4G>A on transcript NM_021625.5 (MANE Select); 4 bases into the intron before coding-DNA position 854, G replaced by A.
Molecular consequence: intron variant.
Genome position (GRCh38, 1-based): chr12:109,798,916, C>T on the plus strand (G>A on the coding strand, the complement: TRPV4 is on the minus strand). VCF-style: chr12-109798916-C-T. GRCh37 (hg19) VCF-style: chr12-110236721-C-T.
Other names: p.?; c.854-4G>A (NM_147204.2); c.752-4G>A (NM_001177431.1); c.713-4G>A (NM_001177433.1, NM_001177428.1).
Identifiers: ClinVar variation 198246 (VCV000198246.63), dbSNP rs371733585, ClinGen allele CA246794.

ClinVar aggregate classification (germline): Benign/Likely benign. Review status: criteria provided, multiple submitters, no conflicts (2 of 4 stars). 20 submissions from 15 submitters: Benign (9); Likely benign (9). 2 of the submissions do not count toward it. Last evaluated 2026-02-01.

Conditions:
Inborn genetic diseases. Identifiers: MedGen C0950123, MeSH D030342.
Connective tissue disorder. Also called: Connective tissue disease. Identifiers: MedGen C0009782, MONDO:0003900.
Charcot-Marie-Tooth disease. Also called: Charcot-Marie-Tooth Neuropathy; Charcot-Marie-Tooth Hereditary Neuropathy. Identifiers: Orphanet 166, MedGen C0007959, MONDO:0015626.
Scapuloperoneal spinal muscular atrophy (SPSMA). Also called: Scapuloperoneal spinal muscular atrophy, autosomal dominant; AMYOTROPHY, NEUROGENIC SCAPULOPERONEAL, NEW ENGLAND TYPE; Scapuloperoneal Form of Spinal Muscular Atrophy; Scapuloperoneal Spinal Muscular Atrophy, TRPV4-Related. Identifiers: Orphanet 431255, MedGen C0751335, MONDO:0008408, OMIM 181405.
Neuronopathy, distal hereditary motor, autosomal dominant 8. Also called: NEURONOPATHY, DISTAL HEREDITARY MOTOR, TYPE VIII; NEUROPATHY, DISTAL HEREDITARY MOTOR, TYPE VIII; SPINAL MUSCULAR ATROPHY, CONGENITAL BENIGN, WITH CONTRACTURES; Autosomal dominant congenital benign spinal muscular atrophy. Identifiers: Orphanet 1216, MedGen C1838492, MONDO:0010839, OMIM 600175.
Charcot-Marie-Tooth disease axonal type 2C (HMSN2C). Also called: CHARCOT-MARIE-TOOTH DISEASE, AXONAL, AUTOSOMAL DOMINANT, TYPE 2C; Charcot-Marie-Tooth Neuropathy Type 2C; Charcot-Marie-Tooth Disease Type 2, TRPV4-Related (CMT2C). Identifiers: Orphanet 99937, MedGen C1853710, MONDO:0011633, OMIM 606071.
Brachyrachia (short spine dysplasia) (BCYM3). Also called: BRACHYRACHIA; Brachyolmia Type 3; Brachyolmia, TRPV4-Related; Autosomal dominant brachyolmia. Identifiers: Orphanet 93304, MedGen C0432227, MONDO:0007232, OMIM 113500.
Spondylometaphyseal dysplasia, Kozlowski type (SMDK). Also called: Spondylometaphyseal Dysplasia, TRPV4-Related (Kozlowski Type); Dysmorphism arthrogryposis skeletal maturation advanced; Jequier-Kozlowski syndrome; Skeletal dysplasia Jequier-Kozlowski type; SMD Kozlowski type. Identifiers: Orphanet 93314, MedGen C0265280, MONDO:0008477, OMIM 184252.
Metatropic dysplasia (MTD). Also called: Metatropic dysplasia, nonlethal dominant; Metatropic Dysplasia, TRPV4-Related; METATROPIC DWARFISM. Identifiers: Orphanet 2635, MedGen C0265281, MONDO:0007986, OMIM 156530.

Allele frequency attached by ClinVar (database versions not stated): 1000 Genomes Project 30x 0.00031; TOPMed 0.00094; ESP Exome Variant Server 0.00192; ExAC 0.00075; gnomAD exomes 0.00085; 1000 Genomes Project 0.00040; gnomAD 0.00096 and 0.00098.
gnomAD v4.1: 2,305 of 1,608,064 alleles (0.14%); highest among the groups gnomAD compares: Non-Finnish European, 0.17%; 2 homozygotes.

Submissions (20):

Labcorp Genetics (formerly Invitae), Labcorp
Classification: Benign for Charcot-Marie-Tooth disease axonal type 2C. Last evaluated: 2026-02-01. Review status: criteria provided, single submitter. Criteria: Invitae Variant Classification Sherloc (09022015). Collection method: clinical testing. Allele origin: germline.

CeGaT Center for Human Genetics Tuebingen
Classification: Likely benign. Last evaluated: 2025-10-01. Review status: criteria provided, single submitter. Criteria: CeGaT Center For Human Genetics Tuebingen Variant Classification Criteria Version 2. Collection method: clinical testing. Allele origin: germline. Affected: yes. Observed: 5 variant alleles.
Comment: TRPV4: BP4, BS1

ARUP Laboratories, Molecular Genetics and Genomics, ARUP Laboratories
Classification: Benign. Last evaluated: 2024-11-25. Review status: criteria provided, single submitter. Criteria: ARUP Molecular Germline Variant Investigation Process 2024. Collection method: clinical testing. Allele origin: germline.

Blueprint Genetics
Classification: Likely benign. Last evaluated: 2024-11-15. Review status: criteria provided, single submitter. Criteria: ACMG Guidelines, 2015. Collection method: clinical testing. Allele origin: germline.

Mayo Clinic Laboratories, Mayo Clinic
Classification: Benign. Last evaluated: 2023-09-21. Review status: criteria provided, single submitter. Criteria: ACMG Guidelines, 2015. Collection method: clinical testing. Allele origin: germline. Observed: 8 variant alleles.
Comment: BS1, BS2, BP4, BP7

GeneDx
Classification: Likely benign. Last evaluated: 2021-08-20. Review status: criteria provided, single submitter. Criteria: GeneDx Variant Classification Process June 2021. Collection method: clinical testing. Allele origin: germline. Affected: yes.

Genome Diagnostics Laboratory, The Hospital for Sick Children
Classification: Likely benign for Connective tissue disorder. Last evaluated: 2020-01-01. Review status: criteria provided, single submitter. Criteria: ACMG Guidelines, 2015. Collection method: clinical testing. Allele origin: germline.

Ambry Genetics
Classification: Likely benign for Inborn genetic diseases. Last evaluated: 2019-11-01. Review status: criteria provided, single submitter. Criteria: Ambry Variant Classification Scheme 2023. Collection method: clinical testing. Allele origin: germline.

Athena Diagnostics
Classification: Benign. Last evaluated: 2019-01-30. Review status: criteria provided, single submitter. Criteria: Athena Diagnostics Criteria. Collection method: clinical testing. Allele origin: germline.

Eurofins Ntd Llc (ga)
Classification: Likely benign. Last evaluated: 2018-04-10. Review status: criteria provided, single submitter. Criteria: EGL ClinVar v180209 classification definitions. Collection method: clinical testing. Allele origin: germline. Observed: 2 variant alleles, 2 heterozygotes.

Illumina Laboratory Services, Illumina
Classification: Benign for Neuronopathy, distal hereditary motor, autosomal dominant 8. Last evaluated: 2018-01-13. Review status: criteria provided, single submitter. Criteria: ICSL Variant Classification Criteria 13 December 2019. Collection method: clinical testing. Allele origin: germline.
Comment: This variant was observed in the ICSL laboratory as part of a predisposition screen in an ostensibly healthy population. It had not been previously curated by ICSL or reported in the Human Gene Mutation Database (HGMD: prior to June 1st, 2018), and was therefore a candidate for classification through an automated scoring system. Utilizing variant allele frequency, disease prevalence and penetrance estimates, and inheritance mode, an automated score was calculated to assess if this variant is too frequent to cause the disease. Based on the score and internal cut-off values, a variant classified as benign is not then subjected to further curation. The score for this variant resulted in a classification of benign for this disease.

Illumina Laboratory Services, Illumina
Classification: Likely benign for Charcot-Marie-Tooth disease axonal type 2C. Last evaluated: 2018-01-13. Review status: criteria provided, single submitter. Criteria: ICSL Variant Classification Criteria 13 December 2019. Collection method: clinical testing. Allele origin: germline.
Comment: This variant was observed in the ICSL laboratory as part of a predisposition screen in an ostensibly healthy population. It had not been previously curated by ICSL or reported in the Human Gene Mutation Database (HGMD: prior to June 1st, 2018), and was therefore a candidate for classification through an automated scoring system. Utilizing variant allele frequency, disease prevalence and penetrance estimates, and inheritance mode, an automated score was calculated to assess if this variant is too frequent to cause the disease. Based on the score and internal cut-off values, a variant classified as likely benign is not then subjected to further curation. The score for this variant resulted in a classification of likely benign for this disease.

Illumina Laboratory Services, Illumina
Classification: Benign for Scapuloperoneal spinal muscular atrophy. Last evaluated: 2018-01-13. Review status: criteria provided, single submitter. Criteria: ICSL Variant Classification Criteria 13 December 2019. Collection method: clinical testing. Allele origin: germline.
Comment: the same text as in the submission from Illumina Laboratory Services, Illumina above.

Illumina Laboratory Services, Illumina
Classification: Benign for Brachyrachia (short spine dysplasia). Last evaluated: 2018-01-13. Review status: criteria provided, single submitter. Criteria: ICSL Variant Classification Criteria 13 December 2019. Collection method: clinical testing. Allele origin: germline.
Comment: the same text as in the submission from Illumina Laboratory Services, Illumina above.

Illumina Laboratory Services, Illumina
Classification: Benign for Metatropic dysplasia. Last evaluated: 2018-01-13. Review status: criteria provided, single submitter. Criteria: ICSL Variant Classification Criteria 13 December 2019. Collection method: clinical testing. Allele origin: germline.
Comment: the same text as in the submission from Illumina Laboratory Services, Illumina above.

Illumina Laboratory Services, Illumina
Classification: Benign for Spondylometaphyseal dysplasia, Kozlowski type. Last evaluated: 2018-01-13. Review status: criteria provided, single submitter. Criteria: ICSL Variant Classification Criteria 13 December 2019. Collection method: clinical testing. Allele origin: germline.
Comment: the same text as in the submission from Illumina Laboratory Services, Illumina above.

Molecular Genetics Laboratory, London Health Sciences Centre
Classification: Likely benign for Charcot-Marie-Tooth disease. Review status: criteria provided, single submitter. Criteria: ACMG Guidelines, 2015. Collection method: clinical testing. Allele origin: germline. Affected: yes.

PreventionGenetics, part of Exact Sciences
Classification: Likely benign. Review status: criteria provided, single submitter. Criteria: ACMG Guidelines, 2015. Collection method: clinical testing. Allele origin: germline.

Clinical Genetics, Academic Medical Center
Classification: Benign. Review status: no assertion criteria provided. Collection method: clinical testing. Allele origin: germline. Affected: yes. Study: VKGL Data-share Consensus. Not counted in ClinVar's aggregate classification.

Genome Diagnostics Laboratory, University Medical Center Utrecht
Classification: Benign. Review status: no assertion criteria provided. Collection method: clinical testing. Allele origin: germline. Affected: yes. Study: VKGL Data-share Consensus. Not counted in ClinVar's aggregate classification.